The following is an entry in ClinVar:

ClinVar aggregate classification (germline): Pathogenic (1 of 4 stars; one submission).

Conditions:
Familial cancer of breast. Also called: hereditary breast carcinoma; Hereditary breast cancer; BREAST CANCER, FAMILIAL. Identifiers: Orphanet 227535, MedGen C0346153, MONDO:0016419, OMIM 114480. Disease mechanism: loss of function.

Submission:

Labcorp Genetics (formerly Invitae), Labcorp
Classification: Pathogenic for Familial cancer of breast. Last evaluated: 2023-07-10. Review status: criteria provided, single submitter. Criteria: Invitae Variant Classification Sherloc (09022015). Collection method: clinical testing. Allele origin: germline.
Comment: This sequence change creates a premature translational stop signal (p.Trp877*) in the PALB2 gene. It is expected to result in an absent or disrupted protein product. Loss-of-function variants in PALB2 are known to be pathogenic (PMID: 17200668, 17200671, 17200672, 24136930, 25099575). This variant is not present in population databases (gnomAD no frequency). For these reasons, this variant has been classified as Pathogenic. ClinVar contains an entry for this variant (Variation ID: 1074369). A different variant (c.2630G>A) giving rise to the same protein effect has been determined to be pathogenic (Invitae). This suggests that this variant is also likely to be causative of disease.

Literature cited by the submitters: PubMed 17200668; PubMed 17200671; PubMed 17200672; PubMed 24136930; PubMed 25099575.

NM_024675.4(PALB2):c.2631G>A (p.Trp877Ter)

Gene: PALB2 (partner and localizer of BRCA2; minus strand). Cytogenetic location: 16p12.2.
Variant type: single nucleotide variant.
Coding change: c.2631G>A on transcript NM_024675.4 (MANE Select); coding-DNA position 2631, G replaced by A.
Protein change: p.Trp877Ter; replaces tryptophan 877 with a stop codon.
Molecular consequence: nonsense.
Genome position (GRCh38, 1-based): chr16:23,626,353, C>T on the plus strand (G>A on the coding strand, the complement: PALB2 is on the minus strand). VCF-style: chr16-23626353-C-T. GRCh37 (hg19) VCF-style: chr16-23637674-C-T.
Other names: short protein forms W877*.
Identifiers: ClinVar variation 1074369 (VCV001074369.10), dbSNP rs2142355636, ClinGen allele CA395122169.